The following is an entry in ClinVar:

NM_145207.3(AFG2A):c.2351G>A (p.Arg784Gln)

Gene: AFG2A (AFG2 AAA ATPase homolog A; plus strand). Cytogenetic location: 4q28.1.
Variant type: single nucleotide variant.
Coding change: c.2351G>A on transcript NM_145207.3 (MANE Select); coding-DNA position 2351, G replaced by A.
Protein change: p.Arg784Gln; replaces arginine 784 with glutamine.
Molecular consequence: missense variant.
Genome position (GRCh38, 1-based): chr4:123,256,026, G>A. VCF-style: chr4-123256026-G-A. GRCh37 (hg19) VCF-style: chr4-124177181-G-A.
Other names: c.2348G>A, p.Arg783Gln (NM_001345856.2); short protein forms R784Q, R783Q.
Identifiers: ClinVar variation 203532 (VCV000203532.3), dbSNP rs796051894, ClinGen allele CA312161.

ClinVar aggregate classification (germline): Likely pathogenic (1 of 4 stars; one submission).

Allele frequency attached by ClinVar (database versions not stated): gnomAD 0.00001.
gnomAD v4.1: 1 of 1,613,726 alleles (0.000062%); highest among the groups gnomAD compares: Non-Finnish European, 0.000085%; no homozygotes.

Submission:

GeneDx
Classification: Likely pathogenic. Last evaluated: 2017-02-03. Review status: criteria provided, single submitter. Criteria: GeneDx Variant Classification (06012015). Collection method: clinical testing. Allele origin: germline. Affected: yes.
Comment: The R784Q pathogenic variant in the SPATA5 gene has now been published as a disease-causing variant associated with SPATA5-related disorders (Tanaka et al., 2015). The R784Q variant is not observed in large population cohorts (Lek et al., 2016; 1000 Genomes Consortium et al., 2015; Exome Variant Server). The R784Q variant is a semi-conservative amino acid substitution, which may impact secondary protein structure as these residues differ in some properties. This substitution occurs at a position that is conserved across species. In silico analysis predicts this variant is probably damaging to the protein structure/function. The R784Q variant is a strong candidate for a pathogenic variant, however the possibility it may be a rare benign variant cannot be excluded.